The following is an entry in ClinVar:

ClinVar aggregate classification (germline): Uncertain significance. Review status: criteria provided, multiple submitters, no conflicts (2 of 4 stars). 2 submissions from 2 submitters: Uncertain significance (2). Last evaluated 2024-01-15.

Conditions:
Van Maldergem syndrome 2 (VMLDS2). Identifiers: Orphanet 314679, MedGen C3809875, MONDO:0014242, OMIM 615546.
Hennekam lymphangiectasia-lymphedema syndrome 2 (HKLLS2). Identifiers: Orphanet 2136, MedGen C4014939, MONDO:0014454, OMIM 616006.

Allele frequency attached by ClinVar (database versions not stated): gnomAD 0.00001; gnomAD exomes 0.00001.
gnomAD v4.1: 10 of 1,613,496 alleles (0.00062%); highest among the groups gnomAD compares: African/African-American, 0.0013%; no homozygotes.

Submissions (2):

Fulgent Genetics
Classification: Uncertain significance for Van Maldergem syndrome 2; Hennekam lymphangiectasia-lymphedema syndrome 2. Last evaluated: 2024-01-15. Review status: criteria provided, single submitter. Criteria: ACMG Guidelines, 2015. Collection method: clinical testing. Allele origin: germline.

GeneDx
Classification: Uncertain significance. Last evaluated: 2020-02-07. Review status: criteria provided, single submitter. Criteria: GeneDx Variant Classification Process June 2021. Collection method: clinical testing. Allele origin: germline. Affected: yes.
Comment: Not observed in large population cohorts (Lek et al., 2016); In silico analysis supports that this missense variant has a deleterious effect on protein structure/function; Has not been previously published as pathogenic or benign to our knowledge

NM_001291303.3(FAT4):c.5345G>A (p.Gly1782Glu)

Gene: FAT4 (FAT atypical cadherin 4; plus strand). Cytogenetic location: 4q28.1.
Variant type: single nucleotide variant.
Coding change: c.5345G>A on transcript NM_001291303.3 (MANE Select); coding-DNA position 5345, G replaced by A.
Protein change: p.Gly1782Glu; replaces glycine 1782 with glutamic acid.
Molecular consequence: missense variant.
Genome position (GRCh38, 1-based): chr4:125,406,917, G>A. VCF-style: chr4-125406917-G-A. GRCh37 (hg19) VCF-style: chr4-126328072-G-A.
Other names: c.5345G>A, p.Gly1782Glu (NM_001291285.3, NM_024582.6); c.5345G>A (NM_024582.5); short protein forms G1782E.
Identifiers: ClinVar variation 1315257 (VCV001315257.3), dbSNP rs1734635696, ClinGen allele CA358122488.
Genomic context (GRCh38, chr4:125,406,917, plus strand): 5'-AGATGCTTGGTCTCTTTTTTTAGGGTGCAAATGCTCTCGTCACATACACTATCATTAGTG[G>A]AGCTGATGATAGTTTTCGCATCGACCCAGAATCCGGAGATCTGATAGCAACCAGGCGGTT-3'
Protein context (NP_001278232.1, residues 1772-1792): NALVTYTIIS[Gly1782Glu]ADDSFRIDPE